The following is an entry in ClinVar:

ClinVar aggregate classification (germline): Uncertain significance (1 of 4 stars; one submission).

Allele frequency attached by ClinVar (database versions not stated): TOPMed below 0.00001; gnomAD 0.00001.
gnomAD v4.1: 12 of 1,612,342 alleles (0.00074%); highest among the groups gnomAD compares: African/African-American, 0.0027%; no homozygotes.

Submission:

Labcorp Genetics (formerly Invitae), Labcorp
Classification: Uncertain significance. Last evaluated: 2021-03-07. Review status: criteria provided, single submitter. Criteria: Invitae Variant Classification Sherloc (09022015). Collection method: clinical testing. Allele origin: germline.
Comment: This sequence change replaces threonine with serine at codon 694 of the SI protein (p.Thr694Ser). The threonine residue is moderately conserved and there is a small physicochemical difference between threonine and serine. This variant is not present in population databases (ExAC no frequency). This variant has not been reported in the literature in individuals with SI-related conditions. Algorithms developed to predict the effect of missense changes on protein structure and function (SIFT, PolyPhen-2, Align-GVGD) all suggest that this variant is likely to be tolerated, but these predictions have not been confirmed by published functional studies and their clinical significance is uncertain. Algorithms developed to predict the effect of sequence changes on RNA splicing suggest that this variant may create or strengthen a splice site, but this prediction has not been confirmed by published transcriptional studies. In summary, the available evidence is currently insufficient to determine the role of this variant in disease. Therefore, it has been classified as a Variant of Uncertain Significance.

NM_001041.4(SI):c.2081C>G (p.Thr694Ser)

Gene: SI (sucrase-isomaltase; minus strand). Cytogenetic location: 3q26.1.
Variant type: single nucleotide variant.
Coding change: c.2081C>G on transcript NM_001041.4 (MANE Select); coding-DNA position 2081, C replaced by G.
Protein change: p.Thr694Ser; replaces threonine 694 with serine.
Molecular consequence: missense variant.
Genome position (GRCh38, 1-based): chr3:165,041,018, G>C on the plus strand (C>G on the coding strand, the complement: SI is on the minus strand). VCF-style: chr3-165041018-G-C. GRCh37 (hg19) VCF-style: chr3-164758806-G-C.
Other names: short protein forms T694S.
Identifiers: ClinVar variation 1514724 (VCV001514724.8), dbSNP rs1712801599, ClinGen allele CA355050610.